The following is an entry in ClinVar:

NM_017671.5(FERMT1):c.1416G>A (p.Ser472=)

Gene: FERMT1 (FERM domain containing kindlin 1; minus strand). Cytogenetic location: 20p12.3.
Variant type: single nucleotide variant.
Coding change: c.1416G>A on transcript NM_017671.5 (MANE Select); coding-DNA position 1416, G replaced by A.
Protein change: p.Ser472=; no amino-acid change (serine 472 retained).
Molecular consequence: synonymous variant.
Genome position (GRCh38, 1-based): chr20:6,085,243, C>T on the plus strand (G>A on the coding strand, the complement: FERMT1 is on the minus strand). VCF-style: chr20-6085243-C-T. GRCh37 (hg19) VCF-style: chr20-6065890-C-T.
Identifiers: ClinVar variation 339215 (VCV000339215.15), dbSNP rs148992845, ClinGen allele CA9758136.

ClinVar aggregate classification (germline): Benign. Review status: criteria provided, multiple submitters, no conflicts (2 of 4 stars). 3 submissions from 3 submitters: Benign (2). 1 of the submissions does not count toward it. Last evaluated 2026-01-25.

Conditions:
Kindler syndrome (KNDLRS). Also called: BULLOUS ACROKERATOTIC POIKILODERMA OF KINDLER AND WEARY; POIKILODERMA, CONGENITAL, WITH BULLAE, WEARY TYPE; POIKILODERMA, HEREDITARY ACROKERATOTIC; Hereditary acrokeratotic poikiloderma of Weary; Poikiloderma of Kindler; Congenital bullous poikiloderma. Identifiers: Orphanet 2908, Orphanet 306539, MedGen C0406557, MONDO:0008260, OMIM 173650.
FERMT1-related disorder. Also called: FERMT1-related condition.

Allele frequency attached by ClinVar (database versions not stated): gnomAD exomes 0.00059 and 0.00147; ExAC 0.00180; 1000 Genomes Project 0.00280; 1000 Genomes Project 30x 0.00328; gnomAD 0.00562 and 0.00616; ESP Exome Variant Server 0.00661; TOPMed 0.00671.
gnomAD v4.1: 1,716 of 1,614,050 alleles (0.11%); highest among the groups gnomAD compares: African/African-American, 2%; 14 homozygotes.

Submissions (3):

Labcorp Genetics (formerly Invitae), Labcorp
Classification: Benign. Last evaluated: 2026-01-25. Review status: criteria provided, single submitter. Criteria: Invitae Variant Classification Sherloc (09022015). Collection method: clinical testing. Allele origin: germline.

Illumina Laboratory Services, Illumina
Classification: Benign for Kindler syndrome. Last evaluated: 2018-01-13. Review status: criteria provided, single submitter. Criteria: ICSL Variant Classification Criteria 13 December 2019. Collection method: clinical testing. Allele origin: germline.
Comment: This variant was observed in the ICSL laboratory as part of a predisposition screen in an ostensibly healthy population. It had not been previously curated by ICSL or reported in the Human Gene Mutation Database (HGMD: prior to June 1st, 2018), and was therefore a candidate for classification through an automated scoring system. Utilizing variant allele frequency, disease prevalence and penetrance estimates, and inheritance mode, an automated score was calculated to assess if this variant is too frequent to cause the disease. Based on the score and internal cut-off values, a variant classified as benign is not then subjected to further curation. The score for this variant resulted in a classification of benign for this disease.

PreventionGenetics, part of Exact Sciences
Classification: Likely benign for FERMT1-related condition. Last evaluated: 2024-01-16. Review status: no assertion criteria provided. Collection method: clinical testing. Allele origin: germline. Not counted in ClinVar's aggregate classification.
Comment: This variant is classified as likely benign based on ACMG/AMP sequence variant interpretation guidelines (Richards et al. 2015 PMID: 25741868, with internal and published modifications).